The following is an entry in ClinVar:

ClinVar aggregate classification (germline): Uncertain significance (1 of 4 stars; one submission).

Conditions:
Hereditary pancreatitis (PCTT). Also called: Hereditary chronic pancreatitis; PRSS1-Related Hereditary Pancreatitis. Identifiers: Orphanet 676, MedGen C0238339, MONDO:0008185, OMIM 167800.

gnomAD v4.1: 1 of 1,614,166 alleles (0.000062%); highest among the groups gnomAD compares: Non-Finnish European, 0.000085%; no homozygotes.

Submission:

Ambry Genetics
Classification: Uncertain significance for Hereditary pancreatitis. Last evaluated: 2024-08-02. Review status: criteria provided, single submitter. Criteria: Ambry Variant Classification Scheme 2023. Collection method: clinical testing. Allele origin: germline.
Comment: The p.G212R variant (also known as c.634G>C), located in coding exon 5 of the PRSS1 gene, results from a G to C substitution at nucleotide position 634. The glycine at codon 212 is replaced by arginine, an amino acid with dissimilar properties. This amino acid position is conserved. In addition, this alteration is predicted to be deleterious by in silico analysis. Based on the available evidence, the clinical significance of this variant remains unclear.

NM_002769.5(PRSS1):c.634G>C (p.Gly212Arg)

Genes: PRSS1 (serine protease 1; plus strand), TRB (T cell receptor beta locus; plus strand). Cytogenetic location: 7q34.
Variant type: single nucleotide variant.
Coding change: c.634G>C on transcript NM_002769.5 (MANE Select); coding-DNA position 634, G replaced by C.
Protein change: p.Gly212Arg; replaces glycine 212 with arginine.
Molecular consequence: missense variant. On other transcripts: non-coding transcript variant (5).
Genome position (GRCh38, 1-based): chr7:142,752,910, G>C. VCF-style: chr7-142752910-G-C. GRCh37 (hg19) VCF-style: chr7-142460761-G-C.
Other names: short protein forms G212R.
Identifiers: ClinVar variation 3426312 (VCV003426312.1).